The following is an entry in ClinVar:

ClinVar aggregate classification (germline): Uncertain significance (1 of 4 stars; one submission).

Conditions:
Autosomal recessive severe congenital neutropenia due to JAGN1 deficiency. Also called: Severe congenital neutropenia 6, autosomal recessive. Identifiers: Orphanet 423384, MedGen C4014954, MONDO:0014456, OMIM 616022.

Submission:

Labcorp Genetics (formerly Invitae), Labcorp
Classification: Uncertain significance for Autosomal recessive severe congenital neutropenia due to JAGN1 deficiency. Last evaluated: 2026-01-12. Review status: criteria provided, single submitter. Criteria: Invitae Variant Classification Sherloc (09022015). Collection method: clinical testing. Allele origin: germline.
Comment: This sequence change replaces phenylalanine, which is neutral and non-polar, with serine, which is neutral and polar, at codon 138 of the JAGN1 protein (p.Phe138Ser). This variant is not present in population databases (gnomAD no frequency). This variant has not been reported in the literature in individuals affected with JAGN1-related conditions. An algorithm developed to predict the effect of missense changes on protein structure and function (PolyPhen-2) suggests that this variant is likely to be tolerated. In summary, the available evidence is currently insufficient to determine the role of this variant in disease. Therefore, it has been classified as a Variant of Uncertain Significance.

NM_032492.4(JAGN1):c.413T>C (p.Phe138Ser)

Gene: JAGN1 (jagunal vesicle mediated transporter 1; plus strand). Cytogenetic location: 3p25.3.
Variant type: single nucleotide variant.
Coding change: c.413T>C on transcript NM_032492.4 (MANE Select); coding-DNA position 413, T replaced by C.
Protein change: p.Phe138Ser; replaces phenylalanine 138 with serine.
Molecular consequence: missense variant.
Genome position (GRCh38, 1-based): chr3:9,893,238, T>C. VCF-style: chr3-9893238-T-C. GRCh37 (hg19) VCF-style: chr3-9934922-T-C.
Other names: c.251T>C, p.Phe84Ser (NM_001363890.1); short protein forms F138S, F84S.
Identifiers: ClinVar variation 4810535 (VCV004810535.1).
Genomic context (GRCh38, chr3:9,893,238, plus strand): 5'-GCAGCATGGAGATGTTCCCTGCTGCACAGCAGCTCTACCGCCATGGCAAGGCCTACCGTT[T>C]CCTCTTTGGTTTTTCTGCCGTTTCCATCATGTACCTGGTGTTGGTGTTGGCAGTGCAAGT-3'
Protein context (NP_115881.3, residues 128-148): QLYRHGKAYR[Phe138Ser]LFGFSAVSIM